The following is an entry in ClinVar:

NM_177438.3(DICER1):c.1249G>C (p.Asp417His)

Gene: DICER1 (dicer 1, ribonuclease III; minus strand). Cytogenetic location: 14q32.13.
Variant type: single nucleotide variant.
Coding change: c.1249G>C on transcript NM_177438.3 (MANE Select); coding-DNA position 1249, G replaced by C.
Protein change: p.Asp417His; replaces aspartic acid 417 with histidine.
Molecular consequence: missense variant. On other transcripts: 5 prime UTR variant (1), non-coding transcript variant (6).
Genome position (GRCh38, 1-based): chr14:95,124,323, C>G on the plus strand (G>C on the coding strand, the complement: DICER1 is on the minus strand). VCF-style: chr14-95124323-C-G. GRCh37 (hg19) VCF-style: chr14-95590660-C-G.
Other names: c.1249G>C, p.Asp417His (NM_001195573.1, NM_001271282.3, NM_001291628.2 and 15 more transcripts); c.967G>C, p.Asp323His (NM_001395686.1); c.844G>C, p.Asp282His (NM_001395687.1, NM_001395688.1, NM_001395689.1 and 3 more transcripts); c.682G>C, p.Asp228His (NM_001395691.1); c.-320G>C (NM_001395697.1); short protein forms D228H, D282H, D323H, D417H.
Identifiers: ClinVar variation 2566202 (VCV002566202.2), dbSNP rs150714784, ClinGen allele CA390886509.

ClinVar aggregate classification (germline): Uncertain significance (1 of 4 stars; one submission).

Conditions:
Hereditary cancer-predisposing syndrome. Also called: Neoplastic Syndromes, Hereditary; Hereditary Cancer Syndrome; Hereditary neoplastic syndrome; Tumor predisposition. Identifiers: Orphanet 140162, MedGen C0027672, MeSH D009386, MONDO:0015356.

Submission:

Ambry Genetics
Classification: Uncertain significance for Hereditary cancer-predisposing syndrome. Last evaluated: 2023-05-15. Review status: criteria provided, single submitter. Criteria: Ambry Variant Classification Scheme 2023. Collection method: clinical testing. Allele origin: germline.
Comment: The p.D417H variant (also known as c.1249G>C), located in coding exon 7 of the DICER1 gene, results from a G to C substitution at nucleotide position 1249. The aspartic acid at codon 417 is replaced by histidine, an amino acid with similar properties. This amino acid position is conserved. In addition, this alteration is predicted to be tolerated by in silico analysis. Since supporting evidence is limited at this time, the clinical significance of this alteration remains unclear.